The following is an entry in ClinVar:

NM_001004703.1(OR4C46):c.323C>T (p.Ala108Val)

Gene: OR4C46 (olfactory receptor family 4 subfamily C member 46; minus strand). Cytogenetic location: 11q11.
Variant type: single nucleotide variant.
Coding change: c.323C>T on transcript NM_001004703.1 (MANE Select); coding-DNA position 323, C replaced by T.
Protein change: p.Ala108Val; replaces alanine 108 with valine.
Molecular consequence: missense variant.
Genome position (GRCh38, 1-based): chr11:54,603,676, G>A on the plus strand (C>T on the coding strand, the complement: OR4C46 is on the minus strand). VCF-style: chr11-54603676-G-A. GRCh37 (hg19) VCF-style: chr11-51515604-C-T.
Other names: short protein forms A108V.
Identifiers: ClinVar variation 2641784 (VCV002641784.24), dbSNP rs141105102, ClinGen allele CA5988950.

ClinVar aggregate classification (germline): Likely benign (1 of 4 stars; one submission).

Allele frequency attached by ClinVar (database versions not stated): 1000 Genomes Project 30x 0.00219; 1000 Genomes Project 0.00220; gnomAD 0.00555; TOPMed 0.00559; ESP Exome Variant Server 0.00562; ExAC 0.00570; gnomAD exomes 0.00740.

Submission:

CeGaT Center for Human Genetics Tuebingen
Classification: Likely benign. Last evaluated: 2025-07-01. Review status: criteria provided, single submitter. Criteria: CeGaT Center For Human Genetics Tuebingen Variant Classification Criteria Version 2. Collection method: clinical testing. Allele origin: germline. Affected: yes. Observed: 2 variant alleles.
Comment: OR4C46: BS2